The following is an entry in ClinVar:

NM_014336.5(AIPL1):c.268G>A (p.Asp90Asn)

Gene: AIPL1 (AIP like 1 HSP90 co-chaperone; minus strand). Cytogenetic location: 17p13.2.
Variant type: single nucleotide variant.
Coding change: c.268G>A on transcript NM_014336.5 (MANE Select); coding-DNA position 268, G replaced by A.
Protein change: p.Asp90Asn; replaces aspartic acid 90 with asparagine.
Molecular consequence: missense variant. On other transcripts: intron variant (1).
Genome position (GRCh38, 1-based): chr17:6,433,927, C>T on the plus strand (G>A on the coding strand, the complement: AIPL1 is on the minus strand). VCF-style: chr17-6433927-C-T. GRCh37 (hg19) VCF-style: chr17-6337247-C-T.
Other names: c.268G>A, p.Asp90Asn (NM_001033054.3, NM_001285401.3, NM_001285403.4); c.232G>A, p.Asp78Asn (NM_001285399.3); c.202G>A, p.Asp68Asn (NM_001285400.3); c.151G>A, p.Asp51Asn (NM_001285402.2); c.96+1082G>A (NM_001033055.3); short protein forms D68N, D78N, D51N, D90N.
Identifiers: ClinVar variation 2062872 (VCV002062872.1), dbSNP rs12449580, ClinGen allele CA8328580.
Genomic context (GRCh38, chr17:6,433,927, plus strand): 5'-GTGAGCCCAGAAAAGACTAGTCCCAGGAGACAGGCGCGCAGGGCCTACTTACGATGGTGT[C>T]GCACCAGAACTCGGCCACCTCGTGCACCCGCATGGAGGTAAGCAGGATCTCCCAGACCTC-3'
Protein context (NP_055151.3, residues 80-100): RVHEVAEFWC[Asp90Asn]TIHTGVYPIL

ClinVar aggregate classification (germline): Uncertain significance (1 of 4 stars; one submission).

Conditions:
Leber congenital amaurosis 4 (LCA4). Identifiers: MedGen C1858386, MONDO:0011458, OMIM 604393.

gnomAD v4.1: 77 of 1,603,662 alleles (0.0048%); highest among the groups gnomAD compares: Middle Eastern, 0.017%; no homozygotes.

Submission:

Labcorp Genetics (formerly Invitae), Labcorp
Classification: Uncertain significance for Leber congenital amaurosis 4. Last evaluated: 2022-05-08. Review status: criteria provided, single submitter. Criteria: Invitae Variant Classification Sherloc (09022015). Collection method: clinical testing. Allele origin: germline.
Comment: This sequence change replaces aspartic acid, which is acidic and polar, with asparagine, which is neutral and polar, at codon 90 of the AIPL1 protein (p.Asp90Asn). This variant is present in population databases (rs12449580, gnomAD 0.004%). This variant has not been reported in the literature in individuals affected with AIPL1-related conditions. Algorithms developed to predict the effect of missense changes on protein structure and function are either unavailable or do not agree on the potential impact of this missense change (SIFT: "Tolerated"; PolyPhen-2: "Probably Damaging"; Align-GVGD: "Class C0"). In summary, the available evidence is currently insufficient to determine the role of this variant in disease. Therefore, it has been classified as a Variant of Uncertain Significance.